The following is an entry in ClinVar:

ClinVar aggregate classification (germline): Pathogenic (1 of 4 stars; one submission).

Conditions:
Acrocallosal syndrome (ACLS). Also called: HALLUX DUPLICATION, POSTAXIAL POLYDACTYLY, AND ABSENCE OF CORPUS CALLOSUM; Schinzel syndrome 1; Absence of corpus callosum with unusual facial appearance, mental deficiency, duplication of the halluces and polydactyly. Identifiers: Orphanet 36, MedGen C0796147, MONDO:0008708, OMIM 200990.

Submission:

Labcorp Genetics (formerly Invitae), Labcorp
Classification: Pathogenic for Acrocallosal syndrome. Last evaluated: 2021-09-21. Review status: criteria provided, single submitter. Criteria: Invitae Variant Classification Sherloc (09022015). Collection method: clinical testing. Allele origin: germline.
Comment: This variant has not been reported in the literature in individuals affected with KIF7-related conditions. This sequence change creates a premature translational stop signal (p.Gln95*) in the KIF7 gene. It is expected to result in an absent or disrupted protein product. Loss-of-function variants in KIF7 are known to be pathogenic (PMID: 19666503, 21552264, 21633164, 26648833). This variant is not present in population databases (ExAC no frequency). For these reasons, this variant has been classified as Pathogenic.

Literature cited by the submitters: PubMed 19666503; PubMed 21552264; PubMed 21633164; PubMed 26648833.

NM_198525.3(KIF7):c.283C>T (p.Gln95Ter)

Gene: KIF7 (kinesin family member 7; minus strand). Cytogenetic location: 15q26.1.
Variant type: single nucleotide variant.
Coding change: c.283C>T on transcript NM_198525.3 (MANE Select); coding-DNA position 283, C replaced by T.
Protein change: p.Gln95Ter; replaces glutamine 95 with a stop codon.
Molecular consequence: nonsense.
Genome position (GRCh38, 1-based): chr15:89,652,648, G>A on the plus strand (C>T on the coding strand, the complement: KIF7 is on the minus strand). VCF-style: chr15-89652648-G-A. GRCh37 (hg19) VCF-style: chr15-90195879-G-A.
Other names: short protein forms Q95*.
Identifiers: ClinVar variation 1456011 (VCV001456011.6), dbSNP rs771463286, ClinGen allele CA393779643.
Genomic context (GRCh38, chr15:89,652,648, plus strand): 5'-AACAGGGTCACTCACCCACACTGGCCTCCCCCATGGTGTATGTCTTCCCTGAGCCCGTCT[G>A]ACCATAGGCAAAGACAGTGGCATTGAAGCCCTCGAAGAAGGCCTCAAGGAGGGGCTGAAC-3'